The following is an entry in ClinVar:

ClinVar aggregate classification (germline): Uncertain significance (1 of 4 stars; one submission).

Conditions:
Early Myoclonic Encephalopathy. Identifiers: MedGen C0270855.

Submission:

Labcorp Genetics (formerly Invitae), Labcorp
Classification: Uncertain significance for Early Myoclonic Encephalopathy. Last evaluated: 2023-12-10. Review status: criteria provided, single submitter. Criteria: Invitae Variant Classification Sherloc (09022015). Collection method: clinical testing. Allele origin: germline.
Comment: This sequence change replaces serine, which is neutral and polar, with phenylalanine, which is neutral and non-polar, at codon 1142 of the JMJD1C protein (p.Ser1142Phe). This variant is not present in population databases (gnomAD no frequency). This variant has not been reported in the literature in individuals affected with JMJD1C-related conditions. Advanced modeling of protein sequence and biophysical properties (such as structural, functional, and spatial information, amino acid conservation, physicochemical variation, residue mobility, and thermodynamic stability) performed at Invitae indicates that this missense variant is expected to disrupt JMJD1C protein function with a positive predictive value of 80%. In summary, the available evidence is currently insufficient to determine the role of this variant in disease. Therefore, it has been classified as a Variant of Uncertain Significance.

NM_032776.3(JMJD1C):c.3425C>T (p.Ser1142Phe)

Gene: JMJD1C (jumonji domain containing 1C; minus strand). Cytogenetic location: 10q21.3.
Variant type: single nucleotide variant.
Coding change: c.3425C>T on transcript NM_032776.3 (MANE Select); coding-DNA position 3425, C replaced by T.
Protein change: p.Ser1142Phe; replaces serine 1142 with phenylalanine.
Molecular consequence: missense variant. On other transcripts: non-coding transcript variant (1).
Genome position (GRCh38, 1-based): chr10:63,208,244, G>A on the plus strand (C>T on the coding strand, the complement: JMJD1C is on the minus strand). VCF-style: chr10-63208244-G-A. GRCh37 (hg19) VCF-style: chr10-64968004-G-A.
Other names: c.2879C>T, p.Ser960Phe (NM_001282948.2, NM_001318154.2); c.2561C>T, p.Ser854Phe (NM_001318153.2); c.3311C>T, p.Ser1104Phe (NM_001322252.2); c.2768C>T, p.Ser923Phe (NM_001322254.2, NM_001322258.2); short protein forms S1142F, S854F, S923F, S1104F, S960F.
Identifiers: ClinVar variation 2699749 (VCV002699749.3), dbSNP rs1846891901, ClinGen allele CA377041829.